The following is an entry in ClinVar:

ClinVar aggregate classification (germline): Uncertain significance (1 of 4 stars; one submission).

Submission:

GeneDx
Classification: Uncertain significance. Last evaluated: 2025-05-20. Review status: criteria provided, single submitter. Criteria: GeneDx Variant Classification Process June 2021. Collection method: clinical testing. Allele origin: germline. Affected: yes.
Comment: Not observed at significant frequency in large population cohorts (gnomAD); In silico analysis supports that this missense variant has a deleterious effect on protein structure/function; Has not been previously published as pathogenic or benign to our knowledge

NM_004380.3(CREBBP):c.2624C>T (p.Pro875Leu)

Gene: CREBBP (CREB binding lysine acetyltransferase; minus strand). Cytogenetic location: 16p13.3.
Variant type: single nucleotide variant.
Coding change: c.2624C>T on transcript NM_004380.3 (MANE Select); coding-DNA position 2624, C replaced by T.
Protein change: p.Pro875Leu; replaces proline 875 with leucine.
Molecular consequence: missense variant.
Genome position (GRCh38, 1-based): chr16:3,770,826, G>A on the plus strand (C>T on the coding strand, the complement: CREBBP is on the minus strand). VCF-style: chr16-3770826-G-A. GRCh37 (hg19) VCF-style: chr16-3820827-G-A.
Other names: c.2510C>T, p.Pro837Leu (NM_001079846.1); short protein forms P837L, P875L.
Identifiers: ClinVar variation 4531018 (VCV004531018.1).